The following is an entry in ClinVar:

NM_020778.5(ALPK3):c.1096G>T (p.Val366Phe)

Gene: ALPK3 (alpha kinase 3; plus strand). Cytogenetic location: 15q25.3.
Variant type: single nucleotide variant.
Coding change: c.1096G>T on transcript NM_020778.5 (MANE Select); coding-DNA position 1096, G replaced by T.
Protein change: p.Val366Phe; replaces valine 366 with phenylalanine.
Molecular consequence: missense variant.
Genome position (GRCh38, 1-based): chr15:84,840,375, G>T. VCF-style: chr15-84840375-G-T. GRCh37 (hg19) VCF-style: chr15-85383606-G-T.
Other names: short protein forms V366F.
Identifiers: ClinVar variation 2449121 (VCV002449121.5), dbSNP rs2505705994, ClinGen allele CA393374402.

ClinVar aggregate classification (germline): Uncertain significance. Review status: criteria provided, multiple submitters, no conflicts (2 of 4 stars). 2 submissions from 2 submitters: Uncertain significance (2). Last evaluated 2025-09-17.

Conditions:
Cardiovascular phenotype. Identifiers: MedGen CN230736.

Allele frequency attached by ClinVar (database versions not stated): gnomAD exomes 0.00001.
gnomAD v4.1: 3 of 1,613,826 alleles (0.00019%); highest among the groups gnomAD compares: Middle Eastern, 0.033%; no homozygotes.

Submissions (2):

Ambry Genetics
Classification: Uncertain significance for Cardiovascular phenotype. Last evaluated: 2025-09-17. Review status: criteria provided, single submitter. Criteria: Ambry Variant Classification Scheme 2023. Collection method: clinical testing. Allele origin: germline.
Comment: The p.V568F variant (also known as c.1702G>T), located in coding exon 5 of the ALPK3 gene, results from a G to T substitution at nucleotide position 1702. The valine at codon 568 is replaced by phenylalanine, an amino acid with highly similar properties. This amino acid position is conserved. In addition, this alteration is predicted to be tolerated by in silico analysis. Since supporting evidence is limited at this time, the clinical significance of this alteration remains unclear.

Labcorp Genetics (formerly Invitae), Labcorp
Classification: Uncertain significance. Last evaluated: 2024-04-10. Review status: criteria provided, single submitter. Criteria: Invitae Variant Classification Sherloc (09022015). Collection method: clinical testing. Allele origin: germline.
Comment: This sequence change replaces valine, which is neutral and non-polar, with phenylalanine, which is neutral and non-polar, at codon 568 of the ALPK3 protein (p.Val568Phe). This variant is not present in population databases (gnomAD no frequency). This variant has not been reported in the literature in individuals affected with ALPK3-related conditions. ClinVar contains an entry for this variant (Variation ID: 2449121). An algorithm developed to predict the effect of missense changes on protein structure and function (PolyPhen-2) suggests that this variant is likely to be tolerated. In summary, the available evidence is currently insufficient to determine the role of this variant in disease. Therefore, it has been classified as a Variant of Uncertain Significance.